The following is an entry in ClinVar:

NM_004168.4(SDHA):c.371_372inv (p.Tyr124Cys)

Gene: SDHA (succinate dehydrogenase complex flavoprotein subunit A; plus strand). Cytogenetic location: 5p15.33.
Variant type: Inversion.
Coding change: c.371_372inv on transcript NM_004168.4 (MANE Select).
Protein change: p.Tyr124Cys; replaces tyrosine 124 with cysteine.
Molecular consequence: missense variant. On other transcripts: intron variant (1).
Genome position: GRCh38 VCF-style: chr5-225477-AC-GT. GRCh37 (hg19) VCF-style: chr5-225592-AC-GT.
Other names: c.371_372inv, p.Tyr124Cys (NM_001330758.2); c.313-406_313-405inv (NM_001294332.2); short protein forms Y124C.
Identifiers: ClinVar variation 2927947 (VCV002927947.3), ClinGen allele CA2740091596.

ClinVar aggregate classification (germline): Uncertain significance (1 of 4 stars; one submission).

Conditions:
Mitochondrial complex II deficiency, nuclear type 1. Also called: SUCCINATE CoQ REDUCTASE DEFICIENCY. Identifiers: Orphanet 3208, MedGen C5700310, MONDO:0100294, OMIM 252011.
Pheochromocytoma/paraganglioma syndrome 5. Also called: Paragangliomas 5; SDHA-Related Hereditary Paraganglioma-Pheochromocytoma Syndrome. Identifiers: Orphanet 29072, MedGen C3279992, MONDO:0013602, OMIM 614165.

Submission:

Labcorp Genetics (formerly Invitae), Labcorp
Classification: Uncertain significance for Pheochromocytoma/paraganglioma syndrome 5; Mitochondrial complex II deficiency, nuclear type 1. Last evaluated: 2023-05-09. Review status: criteria provided, single submitter. Criteria: Invitae Variant Classification Sherloc (09022015). Collection method: clinical testing. Allele origin: germline.
Comment: In summary, the available evidence is currently insufficient to determine the role of this variant in disease. Therefore, it has been classified as a Variant of Uncertain Significance. An algorithm developed to predict the effect of missense changes on protein structure and function (PolyPhen-2) suggests that this variant is likely to be disruptive. This variant has not been reported in the literature in individuals affected with SDHA-related conditions. Information on the frequency of this variant in the gnomAD database is not available, as this variant may be reported differently in the database. This sequence change replaces tyrosine, which is neutral and polar, with cysteine, which is neutral and slightly polar, at codon 124 of the SDHA protein (p.Tyr124Cys).